The following is an entry in ClinVar:

NM_022168.4(IFIH1):c.2407A>C (p.Ile803Leu)

Gene: IFIH1 (interferon induced with helicase C domain 1; minus strand). Cytogenetic location: 2q24.2.
Variant type: single nucleotide variant.
Coding change: c.2407A>C on transcript NM_022168.4 (MANE Select); coding-DNA position 2407, A replaced by C.
Protein change: p.Ile803Leu; replaces isoleucine 803 with leucine.
Molecular consequence: missense variant.
Genome position (GRCh38, 1-based): chr2:162,273,842, T>G on the plus strand (A>C on the coding strand, the complement: IFIH1 is on the minus strand). VCF-style: chr2-162273842-T-G. GRCh37 (hg19) VCF-style: chr2-163130352-T-G.
Other names: short protein forms I803L.
Identifiers: ClinVar variation 2048333 (VCV002048333.4), dbSNP rs774958328, ClinGen allele CA348995853.

ClinVar aggregate classification (germline): Uncertain significance (1 of 4 stars; one submission).

Conditions:
Singleton-Merten syndrome 1 (SGMRT1). Also called: Widened medullary cavities of bone, aortic calcification, abnormal dentition, and muscular weakness; Syndrome of widened medullary cavities of the metacarpals and phalanges, aortic calcification and abnormal dentition. Identifiers: Orphanet 85191, MedGen C4225427, MONDO:0024535, OMIM 182250.
Aicardi-Goutieres syndrome 7 (AGS7). Identifiers: Orphanet 51, MedGen C3888244, MONDO:0014367, OMIM 615846.

Allele frequency attached by ClinVar (database versions not stated): TOPMed below 0.00001; gnomAD 0.00001.
gnomAD v4.1: 19 of 1,610,888 alleles (0.0012%); highest among the groups gnomAD compares: Non-Finnish European, 0.0015%; no homozygotes.

Submission:

Labcorp Genetics (formerly Invitae), Labcorp
Classification: Uncertain significance for Aicardi-Goutieres syndrome 7; Singleton-Merten syndrome 1. Last evaluated: 2024-09-17. Review status: criteria provided, single submitter. Criteria: Invitae Variant Classification Sherloc (09022015). Collection method: clinical testing. Allele origin: germline.
Comment: This sequence change replaces isoleucine, which is neutral and non-polar, with leucine, which is neutral and non-polar, at codon 803 of the IFIH1 protein (p.Ile803Leu). This variant is present in population databases (no rsID available, gnomAD 0.0009%). This variant has not been reported in the literature in individuals affected with IFIH1-related conditions. ClinVar contains an entry for this variant (Variation ID: 2048333). Invitae Evidence Modeling of protein sequence and biophysical properties (such as structural, functional, and spatial information, amino acid conservation, physicochemical variation, residue mobility, and thermodynamic stability) has been performed for this missense variant. However, the output from this modeling did not meet the statistical confidence thresholds required to predict the impact of this variant on IFIH1 protein function. This variant disrupts the p.Ile803 amino acid residue in IFIH1. Other variant(s) that disrupt this residue have been determined to be pathogenic (PMID: 31898846). This suggests that this residue is clinically significant, and that variants that disrupt this residue are likely to be disease-causing. In summary, the available evidence is currently insufficient to determine the role of this variant in disease. Therefore, it has been classified as a Variant of Uncertain Significance.

Literature cited by the submitters: PubMed 31898846.